The following is an entry in ClinVar:

NM_002473.6(MYH9):c.2398_2400delinsTTT (p.Ala800Phe)

Gene: MYH9 (myosin heavy chain 9; minus strand). Cytogenetic location: 22q12.3.
Variant type: Indel.
Coding change: c.2398_2400delinsTTT on transcript NM_002473.6 (MANE Select); coding-DNA positions 2398 to 2400, GCC replaced by TTT.
Protein change: p.Ala800Phe; replaces alanine 800 with phenylalanine.
Molecular consequence: missense variant.
Genome position (GRCh38, 1-based): chr22:36,302,667-36,302,669, GGC replaced by AAA on the plus strand (GCC replaced by TTT on the coding strand, the reverse complement: MYH9 is on the minus strand). VCF-style: chr22-36302667-GGC-AAA. GRCh37 (hg19) VCF-style: chr22-36698713-GGC-AAA.
Other names: c.2398_2400delGCCinsTTT, p.Ala800Phe (NM_002473.5); short protein forms A800F.
Identifiers: ClinVar variation 2630136 (VCV002630136.5), dbSNP rs2517972718, ClinGen allele CA2695200113.

ClinVar aggregate classification (germline): Uncertain significance. Review status: criteria provided, multiple submitters, no conflicts (2 of 4 stars). 3 submissions from 3 submitters: Uncertain significance (3). Last evaluated 2024-03-29.

Conditions:
Macrothrombocytopenia and granulocyte inclusions with or without nephritis or sensorineural hearing loss (MATINS). Also called: MACROTHROMBOCYTOPENIA WITH LEUKOCYTE INCLUSIONS; BLEEDING DISORDER, PLATELET-TYPE, 6; MAY-HEGGLIN ANOMALY; DOHLE LEUKOCYTE INCLUSIONS WITH GIANT PLATELETS; SEBASTIAN PLATELET SYNDROME; MACROTHROMBOCYTOPENIA WITH DISPERSED LEUKOCYTIC INCLUSIONS. Identifiers: Orphanet 182050, MedGen C5200934, MONDO:0015912, OMIM 155100.
Autosomal dominant nonsyndromic hearing loss 17. Also called: Deafness, autosomal dominant 17; Autosomal dominant nonsyndromic deafness 17. Identifiers: Orphanet 90635, MedGen C1863659, MONDO:0011350, OMIM 603622.
MYH9-related disorder. Identifiers: MedGen C1854520.

Submissions (3):

Labcorp Genetics (formerly Invitae), Labcorp
Classification: Uncertain significance. Last evaluated: 2024-03-29. Review status: criteria provided, single submitter. Criteria: Invitae Variant Classification Sherloc (09022015). Collection method: clinical testing. Allele origin: germline.
Comment: This sequence change replaces alanine, which is neutral and non-polar, with phenylalanine, which is neutral and non-polar, at codon 800 of the MYH9 protein (p.Ala800Phe). Information on the frequency of this variant in the gnomAD database is not available, as this variant may be reported differently in the database. This variant has not been reported in the literature in individuals affected with MYH9-related conditions. ClinVar contains an entry for this variant (Variation ID: 2630136). An algorithm developed to predict the effect of missense changes on protein structure and function (PolyPhen-2) suggests that this variant is likely to be disruptive. In summary, the available evidence is currently insufficient to determine the role of this variant in disease. Therefore, it has been classified as a Variant of Uncertain Significance.

Fulgent Genetics
Classification: Uncertain significance for Macrothrombocytopenia and granulocyte inclusions with or without nephritis or sensorineural hearing loss; Autosomal dominant nonsyndromic hearing loss 17. Last evaluated: 2024-01-17. Review status: criteria provided, single submitter. Criteria: ACMG Guidelines, 2015. Collection method: clinical testing. Allele origin: germline.

PreventionGenetics, part of Exact Sciences
Classification: Uncertain significance for MYH9-related condition. Last evaluated: 2023-02-15. Review status: criteria provided, single submitter. Criteria: ACMG Guidelines, 2015. Collection method: clinical testing. Allele origin: germline.
Comment: The MYH9 c.2398_2400delinsTTT variant is predicted to result in an in-frame deletion and insertion. To our knowledge, this variant has not been reported in the literature. Although gnomAD data is not able to correctly call complex multi-nucleotide variants such as this, three variants which would result in the same alteration (c.2398_2400delinsTTT) were found to be in cis (on the same allele) in 12 individuals (see the multi-nucleotide variants section in gnomAD). At this time, the clinical significance of this variant is uncertain due to the absence of conclusive functional and genetic evidence.